The following is an entry in ClinVar:

ClinVar aggregate classification (germline): Uncertain significance. Review status: criteria provided, multiple submitters, no conflicts (2 of 4 stars). 2 submissions from 2 submitters: Uncertain significance (2). Last evaluated 2022-03-10.

Conditions:
Early-infantile DEE. Also called: Early infantile epileptic encephalopathy with suppression bursts; Early infantile epileptic encephalopathy; Ohtahara syndrome. Identifiers: Orphanet 1934, MedGen C0393706, MONDO:0800491.
Inborn genetic diseases. Identifiers: MedGen C0950123, MeSH D030342.

Allele frequency attached by ClinVar (database versions not stated): gnomAD exomes below 0.00001; ExAC 0.00001; gnomAD 0.00001; TOPMed 0.00002.
gnomAD v4.1: 4 of 1,613,506 alleles (0.00025%); highest among the groups gnomAD compares: East Asian, 0.0089%; no homozygotes.

Submissions (2):

Labcorp Genetics (formerly Invitae), Labcorp
Classification: Uncertain significance for Early-infantile DEE. Last evaluated: 2022-03-10. Review status: criteria provided, single submitter. Criteria: Invitae Variant Classification Sherloc (09022015). Collection method: clinical testing. Allele origin: germline.
Comment: In summary, the available evidence is currently insufficient to determine the role of this variant in disease. Therefore, it has been classified as a Variant of Uncertain Significance. Algorithms developed to predict the effect of missense changes on protein structure and function are either unavailable or do not agree on the potential impact of this missense change (SIFT: "Deleterious"; PolyPhen-2: "Benign"; Align-GVGD: "Class C0"). This variant has not been reported in the literature in individuals affected with SCN8A-related conditions. This variant is present in population databases (rs772562118, gnomAD 0.006%). This sequence change replaces proline, which is neutral and non-polar, with serine, which is neutral and polar, at codon 1797 of the SCN8A protein (p.Pro1797Ser).

Ambry Genetics
Classification: Uncertain significance for Inborn genetic diseases. Last evaluated: 2019-05-01. Review status: criteria provided, single submitter. Criteria: Ambry Variant Classification Scheme 2023. Collection method: clinical testing. Allele origin: germline.
Comment: The p.P1797S variant (also known as c.5389C>T), located in coding exon 26 of the SCN8A gene, results from a C to T substitution at nucleotide position 5389. The proline at codon 1797 is replaced by serine, an amino acid with similar properties. This amino acid position is highly conserved in available vertebrate species. In addition, this alteration is predicted to be deleterious by in silico analysis. Since supporting evidence is limited at this time, the clinical significance of this alteration remains unclear.

NM_001330260.2(SCN8A):c.5389C>T (p.Pro1797Ser)

Gene: SCN8A (sodium voltage-gated channel alpha subunit 8; plus strand). Cytogenetic location: 12q13.13.
Variant type: single nucleotide variant.
Coding change: c.5389C>T on transcript NM_001330260.2 (MANE Select); coding-DNA position 5389, C replaced by T.
Protein change: p.Pro1797Ser; replaces proline 1797 with serine.
Molecular consequence: missense variant.
Genome position (GRCh38, 1-based): chr12:51,806,875, C>T. VCF-style: chr12-51806875-C-T. GRCh37 (hg19) VCF-style: chr12-52200659-C-T.
Other names: c.5266C>T, p.Pro1756Ser (NM_001177984.3, NM_001369788.1); c.5389C>T, p.Pro1797Ser (NM_014191.4); short protein forms P1756S, P1797S.
Identifiers: ClinVar variation 1747203 (VCV001747203.7), dbSNP rs772562118, ClinGen allele CA6571914.
Genomic context (GRCh38, chr12:51,806,875, plus strand): 5'-GCAGACCCTCTGAGTGAGGATGACTTTGAGACCTTCTATGAGATCTGGGAGAAGTTCGAC[C>T]CCGATGCCACCCAGTTCATTGAGTACTGTAAGCTGGCAGACTTTGCAGATGCCTTGGAGC-3'
Protein context (NP_001317189.1, residues 1787-1807): TFYEIWEKFD[Pro1797Ser]DATQFIEYCK